The following is an entry in ClinVar:

NC_000011.9:g.(?_22297630)_(22301321_?)del

Gene: ANO5 (anoctamin 5; plus strand). Cytogenetic location: 11p14.3.
Variant type: Deletion.
Identifiers: ClinVar variation 1349713 (VCV001349713.9).

ClinVar aggregate classification (germline): Likely pathogenic (1 of 4 stars; one submission).

Conditions:
Autosomal recessive limb-girdle muscular dystrophy type 2L (LGMDR12). Also called: Limb-girdle muscular dystrophy, type 2L; MUSCULAR DYSTROPHY, LIMB-GIRDLE, AUTOSOMAL RECESSIVE 12; Limb-Girdle Muscular Dystrophy R12 Anoctamin-5-Related (LGMD-R12). Identifiers: Orphanet 206549, MedGen C1969785, MONDO:0012652, OMIM 611307.
Gnathodiaphyseal dysplasia (GDD). Also called: GNATHODIAPHYSEAL SCLEROSIS; OSTEOGENESIS IMPERFECTA WITH UNUSUAL SKELETAL LESIONS. Identifiers: Orphanet 53697, MedGen C1833736, MONDO:0008151, OMIM 166260.

Submission:

Labcorp Genetics (formerly Invitae), Labcorp
Classification: Likely pathogenic for Autosomal recessive limb-girdle muscular dystrophy type 2L; Gnathodiaphyseal dysplasia. Last evaluated: 2022-09-27. Review status: criteria provided, single submitter. Criteria: Invitae Variant Classification Sherloc (09022015). Collection method: clinical testing. Allele origin: germline.
Comment: In summary, the currently available evidence indicates that the variant is pathogenic, but additional data are needed to prove that conclusively. Therefore, this variant has been classified as Likely Pathogenic. This variant disrupts the p.Met833 amino acid residue in ANO5. Other variant(s) that disrupt this residue have been determined to be pathogenic (PMID: 23607914, 23663589, 25891276). This suggests that this residue is clinically significant, and that variants that disrupt this residue are likely to be disease-causing. This variant has not been reported in the literature in individuals affected with ANO5-related conditions. This variant is a gross deletion of the genomic region encompassing exon(s) 21-22 of the ANO5 gene, which includes the termination codon. This deletion extends beyond the assayed region for this gene and therefore may encompass additional genes. While this deletion is not anticipated to lead to nonsense mediated decay, it is expected to alter mRNA translation or result in a truncated protein product.

Literature cited by the submitters: PubMed 23607914; PubMed 23663589; PubMed 25891276.